The following is an entry in ClinVar:

ClinVar aggregate classification (germline): Benign/Likely benign. Review status: criteria provided, multiple submitters, no conflicts (2 of 4 stars). 7 submissions from 7 submitters: Benign (1); Likely benign (6). Last evaluated 2026-01-28.

Conditions:
Hereditary cancer-predisposing syndrome. Also called: Hereditary neoplastic syndrome; Neoplastic Syndromes, Hereditary; Tumor predisposition; Hereditary Cancer Syndrome. Identifiers: Orphanet 140162, MedGen C0027672, MeSH D009386, MONDO:0015356.
Ataxia-telangiectasia syndrome (AT). Also called: ATAXIA-TELANGIECTASIA, COMPLEMENTATION GROUP A; ATAXIA-TELANGIECTASIA, FRESNO VARIANT; Ataxia-telangiectasia; Ataxia-telangiectasia, complementation group D; AT, COMPLEMENTATION GROUP C; Ataxia-telangiectasia, complementation group E. Identifiers: Orphanet 100, MedGen C0004135, MONDO:0008840, OMIM 208900.
Familial cancer of breast. Also called: Hereditary breast cancer; BREAST CANCER, FAMILIAL; hereditary breast carcinoma. Identifiers: Orphanet 227535, MedGen C0346153, MONDO:0016419, OMIM 114480. Disease mechanism: loss of function.

Allele frequency attached by ClinVar (database versions not stated): TOPMed 0.00001; ExAC 0.00002; gnomAD 0.00002 and 0.00003; gnomAD exomes 0.00003 and 0.00004.

Submissions (7):

Labcorp Genetics (formerly Invitae), Labcorp
Classification: Likely benign for Ataxia-telangiectasia syndrome. Last evaluated: 2026-01-28. Review status: criteria provided, single submitter. Criteria: Invitae Variant Classification Sherloc (09022015). Collection method: clinical testing. Allele origin: germline.

Center for Genomic Medicine, Rigshospitalet, Copenhagen University Hospital
Classification: Likely benign. Last evaluated: 2025-03-04. Review status: criteria provided, single submitter. Criteria: ACMG Guidelines, 2015. Collection method: clinical testing. Allele origin: germline.

Women's Health and Genetics/Laboratory Corporation of America, LabCorp
Classification: Likely benign. Last evaluated: 2024-12-16. Review status: criteria provided, single submitter. Criteria: LabCorp Variant Classification Summary - May 2015. Collection method: clinical testing. Allele origin: germline.
Comment: Variant summary: ATM c.3402+16A>G alters a non-conserved nucleotide located at a position not widely known to affect splicing. Consensus agreement among computation tools predict no significant impact on normal splicing (TrAP). However, these predictions have yet to be confirmed by functional studies. The variant allele was found at a frequency of 3.2e-05 in 250100 control chromosomes. The available data on variant occurrences in the general population are insufficient to allow any conclusion about variant significance. c.3402+16A>G has been reported in the literature in individuals affected with colorectal cancer, without strong evidence for causality (Erdem_2020). These report(s) do not provide unequivocal conclusions about association of the variant with Ataxia-Telangiectasia. To our knowledge, no experimental evidence demonstrating an impact on protein function has been reported. ClinVar contains an entry for this variant (Variation ID: 490527). Based on the evidence outlined above, the variant was classified as likely benign.

Blueprint Genetics
Classification: Likely benign. Last evaluated: 2024-07-11. Review status: criteria provided, single submitter. Criteria: ACMG Guidelines, 2015. Collection method: clinical testing. Allele origin: germline.

KCCC/NGS Laboratory, Kuwait Cancer Control Center
Classification: Likely benign for Familial cancer of breast. Last evaluated: 2023-07-07. Review status: criteria provided, single submitter. Criteria: ACMG Guidelines, 2015. Collection method: clinical testing. Allele origin: germline. Affected: yes.

Color Diagnostics, LLC DBA Color Health
Classification: Likely benign for Hereditary cancer-predisposing syndrome. Last evaluated: 2016-11-22. Review status: criteria provided, single submitter. Criteria: ACMG Guidelines, 2015. Collection method: clinical testing. Allele origin: germline.

GeneDx
Classification: Benign. Last evaluated: 2015-03-03. Review status: criteria provided, single submitter. Criteria: GeneDx Variant Classification Process June 2021. Collection method: clinical testing. Allele origin: germline. Affected: yes.

Literature cited by the submitters: PubMed 32283892 (cited by Women's Health and Genetics/Laboratory Corporation of America, LabCorp).

NM_000051.4(ATM):c.3402+16A>G

Gene: ATM (ATM serine/threonine kinase; plus strand). Cytogenetic location: 11q22.3.
Variant type: single nucleotide variant.
Coding change: c.3402+16A>G on transcript NM_000051.4 (MANE Select); 16 bases into the intron after coding-DNA position 3402, A replaced by G.
Molecular consequence: intron variant.
Genome position (GRCh38, 1-based): chr11:108,279,624, A>G. VCF-style: chr11-108279624-A-G. GRCh37 (hg19) VCF-style: chr11-108150351-A-G.
Other names: c.3402+16A>G (NM_001351834.2).
Identifiers: ClinVar variation 490527 (VCV000490527.17), dbSNP rs763382531, ClinGen allele CA6265275.